The following is an entry in ClinVar:

NM_000256.3(MYBPC3):c.1564G>T (p.Ala522Ser)

Gene: MYBPC3 (myosin binding protein C3; minus strand). Cytogenetic location: 11p11.2.
Variant type: single nucleotide variant.
Coding change: c.1564G>T on transcript NM_000256.3 (MANE Select); coding-DNA position 1564, G replaced by T.
Protein change: p.Ala522Ser; replaces alanine 522 with serine.
Molecular consequence: missense variant.
Genome position (GRCh38, 1-based): chr11:47,342,638, C>A on the plus strand (G>T on the coding strand, the complement: MYBPC3 is on the minus strand). VCF-style: chr11-47342638-C-A. GRCh37 (hg19) VCF-style: chr11-47364189-C-A.
Other names: short protein forms A522S.
Identifiers: ClinVar variation 4755798 (VCV004755798.1).

ClinVar aggregate classification (germline): Uncertain significance (1 of 4 stars; one submission).

Submission:

GeneDx
Classification: Uncertain significance. Last evaluated: 2025-08-06. Review status: criteria provided, single submitter. Criteria: GeneDx Variant Classification Process June 2021. Collection method: clinical testing. Allele origin: germline. Affected: yes.
Comment: Not observed at significant frequency in large population cohorts (gnomAD); In silico analysis suggests that this missense variant does not alter protein structure/function; Has not been previously published as pathogenic or benign to our knowledge